The following is an entry in ClinVar:

NM_000540.3(RYR1):c.4455-154C>T

Gene: RYR1 (ryanodine receptor 1; plus strand). Cytogenetic location: 19q13.2.
Variant type: single nucleotide variant.
Coding change: c.4455-154C>T on transcript NM_000540.3 (MANE Select); 154 bases into the intron before coding-DNA position 4455, C replaced by T.
Molecular consequence: intron variant.
Genome position (GRCh38, 1-based): chr19:38,478,281, C>T. VCF-style: chr19-38478281-C-T. GRCh37 (hg19) VCF-style: chr19-38968921-C-T.
Other names: c.4455-154C>T (NM_001042723.2).
Identifiers: ClinVar variation 680080 (VCV000680080.1), dbSNP rs116133611, ClinGen allele CA308084992.

ClinVar aggregate classification (germline): Likely benign (1 of 4 stars; one submission).

Allele frequency attached by ClinVar (database versions not stated): 1000 Genomes Project 30x 0.00359; 1000 Genomes Project 0.00379; gnomAD 0.00467 and 0.00509; TOPMed 0.00516.
gnomAD v4.1: 702 of 152,130 alleles (0.46%); highest among the groups gnomAD compares: African/African-American, 1.6%; 4 homozygotes.

Submission:

GeneDx
Classification: Likely benign. Last evaluated: 2018-06-14. Review status: criteria provided, single submitter. Criteria: GeneDx Variant Classification (06012015). Collection method: clinical testing. Allele origin: germline. Affected: yes.
Comment: This variant is considered likely benign or benign based on one or more of the following criteria: it is a conservative change, it occurs at a poorly conserved position in the protein, it is predicted to be benign by multiple in silico algorithms, and/or has population frequency not consistent with disease.